The following is an entry in ClinVar:

NM_000245.4(MET):c.744G>T (p.Lys248Asn)

Gene: MET (MET proto-oncogene, receptor tyrosine kinase; plus strand). Cytogenetic location: 7q31.2.
Variant type: single nucleotide variant.
Coding change: c.744G>T on transcript NM_000245.4 (MANE Select); coding-DNA position 744, G replaced by T.
Protein change: p.Lys248Asn; replaces lysine 248 with asparagine.
Molecular consequence: missense variant. On other transcripts: intron variant (1).
Genome position (GRCh38, 1-based): chr7:116,699,828, G>T. VCF-style: chr7-116699828-G-T. GRCh37 (hg19) VCF-style: chr7-116339882-G-T.
Other names: c.744G>T, p.Lys248Asn (NM_001127500.3, NM_001324401.3); c.-91+27251G>T (NM_001324402.2); c.744G>T (NM_001127500.2); short protein forms K248N.
Identifiers: ClinVar variation 569311 (VCV000569311.15), dbSNP rs1562884016, ClinGen allele CA368969752.

ClinVar aggregate classification (germline): Conflicting classifications of pathogenicity. Review status: criteria provided, conflicting classifications (1 of 4 stars). 3 submissions from 3 submitters: Uncertain significance (2); Likely benign (1). Last evaluated 2025-09-24.

Conditions:
Hereditary cancer-predisposing syndrome. Also called: Hereditary neoplastic syndrome; Tumor predisposition; Neoplastic Syndromes, Hereditary; Hereditary Cancer Syndrome. Identifiers: Orphanet 140162, MedGen C0027672, MeSH D009386, MONDO:0015356.
Renal cell carcinoma. Identifiers: Orphanet 217071, MedGen C0007134, MeSH D002292, MONDO:0005086, HP:0005584.

Allele frequency attached by ClinVar (database versions not stated): gnomAD exomes below 0.00001.
gnomAD v4.1: 1 of 1,614,090 alleles (0.000062%); highest among the groups gnomAD compares: Non-Finnish European, 0.000085%; no homozygotes.

Submissions (3):

Quest Diagnostics Nichols Institute San Juan Capistrano
Classification: Uncertain significance. Last evaluated: 2025-09-24. Review status: criteria provided, single submitter. Criteria: Quest Diagnostics criteria. Collection method: clinical testing. Allele origin: unknown.

Ambry Genetics
Classification: Likely benign for Hereditary cancer-predisposing syndrome. Last evaluated: 2024-12-23. Review status: criteria provided, single submitter. Criteria: Ambry Variant Classification Scheme 2023. Collection method: clinical testing. Allele origin: germline.

Labcorp Genetics (formerly Invitae), Labcorp
Classification: Uncertain significance for Renal cell carcinoma. Last evaluated: 2024-10-24. Review status: criteria provided, single submitter. Criteria: Invitae Variant Classification Sherloc (09022015). Collection method: clinical testing. Allele origin: germline.
Comment: This sequence change replaces lysine, which is basic and polar, with asparagine, which is neutral and polar, at codon 248 of the MET protein (p.Lys248Asn). This variant is not present in population databases (gnomAD no frequency). This variant has not been reported in the literature in individuals affected with MET-related conditions. ClinVar contains an entry for this variant (Variation ID: 569311). Invitae Evidence Modeling of protein sequence and biophysical properties (such as structural, functional, and spatial information, amino acid conservation, physicochemical variation, residue mobility, and thermodynamic stability) indicates that this missense variant is not expected to disrupt MET protein function with a negative predictive value of 80%. In summary, the available evidence is currently insufficient to determine the role of this variant in disease. Therefore, it has been classified as a Variant of Uncertain Significance.